The following is an entry in ClinVar:

ClinVar aggregate classification (germline): Uncertain significance. Review status: criteria provided, multiple submitters, no conflicts (2 of 4 stars). 2 submissions from 2 submitters: Uncertain significance (2). Last evaluated 2025-10-07.

Conditions:
Hereditary diffuse gastric adenocarcinoma (HDGC). Also called: DIFFUSE GASTRIC AND LOBULAR BREAST CANCER SYNDROME. Identifiers: Orphanet 26106, MedGen C1708349, MONDO:0007648, OMIM 137215.
Hereditary cancer-predisposing syndrome. Also called: Tumor predisposition; Neoplastic Syndromes, Hereditary; Hereditary Cancer Syndrome; Hereditary neoplastic syndrome. Identifiers: Orphanet 140162, MedGen C0027672, MeSH D009386, MONDO:0015356.

Allele frequency attached by ClinVar (database versions not stated): gnomAD exomes below 0.00001.
gnomAD v4.1: 1 of 1,614,186 alleles (0.000062%); highest among the groups gnomAD compares: Non-Finnish European, 0.000085%; no homozygotes.

Submissions (2):

Labcorp Genetics (formerly Invitae), Labcorp
Classification: Uncertain significance for Hereditary diffuse gastric adenocarcinoma. Last evaluated: 2025-10-07. Review status: criteria provided, single submitter. Criteria: Invitae Variant Classification Sherloc (09022015). Collection method: clinical testing. Allele origin: germline.
Comment: This sequence change replaces glycine, which is neutral and non-polar, with serine, which is neutral and polar, at codon 352 of the CDH1 protein (p.Gly352Ser). This variant is not present in population databases (gnomAD no frequency). This variant has not been reported in the literature in individuals affected with CDH1-related conditions. ClinVar contains an entry for this variant (Variation ID: 1778188). An algorithm developed to predict the effect of missense changes on protein structure and function (PolyPhen-2) suggests that this variant is likely to be disruptive. In summary, the available evidence is currently insufficient to determine the role of this variant in disease. Therefore, it has been classified as a Variant of Uncertain Significance.

Ambry Genetics
Classification: Uncertain significance for Hereditary cancer-predisposing syndrome. Last evaluated: 2021-10-22. Review status: criteria provided, single submitter. Criteria: Ambry Variant Classification Scheme 2023. Collection method: clinical testing. Allele origin: germline.
Comment: The p.G352S variant (also known as c.1054G>A), located in coding exon 8 of the CDH1 gene, results from a G to A substitution at nucleotide position 1054. The glycine at codon 352 is replaced by serine, an amino acid with similar properties. This amino acid position is highly conserved in available vertebrate species. In addition, the in silico prediction for this alteration is inconclusive. Since supporting evidence is limited at this time, the clinical significance of this alteration remains unclear.

NM_004360.5(CDH1):c.1054G>A (p.Gly352Ser)

Gene: CDH1 (cadherin 1; plus strand). Cytogenetic location: 16q22.1.
Variant type: single nucleotide variant.
Coding change: c.1054G>A on transcript NM_004360.5 (MANE Select); coding-DNA position 1054, G replaced by A.
Protein change: p.Gly352Ser; replaces glycine 352 with serine.
Molecular consequence: missense variant. On other transcripts: 5 prime UTR variant (2).
Genome position (GRCh38, 1-based): chr16:68,812,180, G>A. VCF-style: chr16-68812180-G-A. GRCh37 (hg19) VCF-style: chr16-68846083-G-A.
Other names: c.1054G>A, p.Gly352Ser (NM_001317184.2); c.-562G>A (NM_001317185.2); c.-766G>A (NM_001317186.2); short protein forms G352S.
Identifiers: ClinVar variation 1778188 (VCV001778188.3), dbSNP rs2152132574, ClinGen allele CA396460005.
Genomic context (GRCh38, chr16:68,812,180, plus strand): 5'-TCGATCTCTCTGCAGAGTTTCCCTACGTATACCCTGGTGGTTCAAGCTGCTGACCTTCAA[G>A]GTGAGGGGTTAAGCACAACAGCAACAGCTGTGATCACAGTCACTGACACCAACGATAATC-3'
Protein context (NP_004351.1, residues 342-362): TLVVQAADLQ[Gly352Ser]EGLSTTATAV